The following is an entry in ClinVar:

NM_000186.4(CFH):c.703T>C (p.Tyr235His)

Gene: CFH (complement factor H; plus strand). Cytogenetic location: 1q31.3.
Variant type: single nucleotide variant.
Coding change: c.703T>C on transcript NM_000186.4 (MANE Select); coding-DNA position 703, T replaced by C.
Protein change: p.Tyr235His; replaces tyrosine 235 with histidine.
Molecular consequence: missense variant.
Genome position (GRCh38, 1-based): chr1:196,679,706, T>C. VCF-style: chr1-196679706-T-C. GRCh37 (hg19) VCF-style: chr1-196648836-T-C.
Other names: c.703T>C, p.Tyr235His (NM_001014975.3); short protein forms Y235H.
Identifiers: ClinVar variation 4291320 (VCV004291320.2).
Genomic context (GRCh38, chr1:196,679,706, plus strand): 5'-GTTATAAATGGATCTCCTATATCTCAGAAGATTATTTATAAGGAGAATGAACGATTTCAA[T>C]ATAAATGTAACATGGGTTATGAATACAGTGAAAGAGGAGATGCTGTATGCACTGAATCTG-3'
Protein context (NP_000177.2, residues 225-245): IIYKENERFQ[Tyr235His]KCNMGYEYSE

ClinVar aggregate classification (germline): Uncertain significance. Review status: criteria provided, multiple submitters, no conflicts (2 of 4 stars). 2 submissions from 2 submitters: Uncertain significance (2). Last evaluated 2025-10-02.

Conditions:
Atypical hemolytic-uremic syndrome. Identifiers: Orphanet 2134, MedGen C2931788, MONDO:0016244.
Basal laminar drusen. Also called: DRUSEN OF BRUCH MEMBRANE; DRUSEN, CUTICULAR; DRUSEN, EARLY ADULT-ONSET, GROUPED. Identifiers: Orphanet 75376, MedGen C0730295, MONDO:0007472, OMIM 126700.
Factor H deficiency (CFHD). Also called: COMPLEMENT FACTOR H DEFICIENCY; CFH DEFICIENCY. Identifiers: Orphanet 200421, MedGen C0398777, MONDO:0012350, OMIM 609814.
Age related macular degeneration 4. Identifiers: MedGen C1853147, MONDO:0012540, OMIM 610698.

gnomAD v4.1: 2 of 1,611,044 alleles (0.00012%); highest among the groups gnomAD compares: Non-Finnish European, 0.00017%; no homozygotes.

Submissions (2):

Genomenon, Inc
Classification: Uncertain significance for Basal laminar drusen; Age related macular degeneration 4; Atypical hemolytic-uremic syndrome; Factor H deficiency. Last evaluated: 2025-10-02. Review status: criteria provided, single submitter. Criteria: Genomenon Sequence Variant Interpretation Standards - Updated. Collection method: curation. Allele origin: germline. Affected: no.
Comment: CFH p.Tyr235His (c.703T>C) is a missense variant that changes the amino acid at residue 235 from Tyrosine to Histidine. This variant has been reported in the published literature (PMID:27905547). It is absent or not present at a significant frequency in gnomAD. In conclusion, we classify CFH p.Tyr235His (c.703T>C) as a variant of uncertain significance.

Labcorp Genetics (formerly Invitae), Labcorp
Classification: Uncertain significance. Last evaluated: 2025-07-25. Review status: criteria provided, single submitter. Criteria: Invitae Variant Classification Sherloc (09022015). Collection method: clinical testing. Allele origin: germline.
Comment: This sequence change replaces tyrosine, which is neutral and polar, with histidine, which is basic and polar, at codon 235 of the CFH protein (p.Tyr235His). This variant is present in population databases (rs754205169, gnomAD 0.002%). This variant has not been reported in the literature in individuals affected with CFH-related conditions. An algorithm developed to predict the effect of missense changes on protein structure and function (PolyPhen-2) suggests that this variant is likely to be disruptive. In summary, the available evidence is currently insufficient to determine the role of this variant in disease. Therefore, it has been classified as a Variant of Uncertain Significance.

Literature cited by the submitters: PubMed 27905547 (cited by Genomenon, Inc).